The following is an entry in ClinVar:

ClinVar aggregate classification (germline): Pathogenic/Likely pathogenic. Review status: criteria provided, multiple submitters, no conflicts (2 of 4 stars). 3 submissions from 3 submitters: Pathogenic (2); Likely pathogenic (1). Last evaluated 2025-04-23.

Conditions:
Orofaciodigital syndrome I (OFD1). Also called: OFDS I; Papillon-Leage and Psaume Syndrome; Oral-Facial-Digital Syndrome Type I. Identifiers: Orphanet 2750, MedGen C1510460, MONDO:0010702, OMIM 311200.
Joubert syndrome. Also called: CEREBELLOPARENCHYMAL DISORDER IV; JOUBERT-BOLTSHAUSER SYNDROME; Familial aplasia of the vermis. Identifiers: Orphanet 475, MedGen C5979921, MONDO:0018772.

Submissions (3):

Labcorp Genetics (formerly Invitae), Labcorp
Classification: Pathogenic for Orofaciodigital syndrome I; Joubert syndrome. Last evaluated: 2025-04-23. Review status: criteria provided, single submitter. Criteria: Invitae Variant Classification Sherloc (09022015). Collection method: clinical testing. Allele origin: germline.
Comment: This sequence change creates a premature translational stop signal (p.Lys455Asnfs*14) in the OFD1 gene. It is expected to result in an absent or disrupted protein product. Loss-of-function variants in OFD1 are known to be pathogenic (PMID: 16783569, 18546297, 27081566). This variant is not present in population databases (gnomAD no frequency). This premature translational stop signal has been observed in individual(s) with oral-facial-digital syndrome (PMID: 23033313). ClinVar contains an entry for this variant (Variation ID: 1723577). For these reasons, this variant has been classified as Pathogenic.

Genomic Medicine Center of Excellence, King Faisal Specialist Hospital and Research Centre
Classification: Likely pathogenic for Orofaciodigital syndrome I. Last evaluated: 2024-04-04. Review status: criteria provided, single submitter. Criteria: ACMG Guidelines, 2015. Collection method: clinical testing. Allele origin: germline.

GeneDx
Classification: Pathogenic. Last evaluated: 2022-05-09. Review status: criteria provided, single submitter. Criteria: GeneDx Variant Classification Process June 2021. Collection method: clinical testing. Allele origin: germline. Affected: yes.
Comment: Frameshift variant predicted to result in protein truncation or nonsense mediated decay in a gene for which loss of function is a known mechanism of disease; Not observed at significant frequency in large population cohorts (gnomAD); This variant is associated with the following publications: (PMID: 23033313)

Literature cited by the submitters: PubMed 16783569 (cited by Labcorp Genetics (formerly Invitae), Labcorp); PubMed 18546297 (cited by Labcorp Genetics (formerly Invitae), Labcorp); PubMed 27081566 (cited by Labcorp Genetics (formerly Invitae), Labcorp); PubMed 23033313 (cited by Labcorp Genetics (formerly Invitae), Labcorp).

NM_003611.3(OFD1):c.1365_1368del (p.Lys455fs)

Gene: OFD1 (OFD1 centriole and centriolar satellite protein; plus strand). Cytogenetic location: Xp22.2.
Variant type: Deletion.
Coding change: c.1365_1368del on transcript NM_003611.3 (MANE Select); coding-DNA positions 1365 to 1368, 4 bases deleted (ACAA; older notation c.1365_1368delACAA).
Protein change: p.Lys455fs; shifts the reading frame from lysine 455.
Molecular consequence: frameshift variant.
Genome position (GRCh38, 1-based): chrX:13,756,721-13,756,724, ACAA deleted; deleting any 4 consecutive bases within chrX:13,756,719-13,756,724 gives the same sequence; the c. name uses the placement nearest the transcript's 3' end. VCF-style (leftmost placement, unchanged base first): chrX-13756718-TAAAC-T. GRCh37 (hg19) VCF-style: chrX-13774837-TAAAC-T.
Other names: c.1245_1248del, p.Lys415fs (NM_001330209.2); c.945_948del, p.Lys315fs (NM_001330210.2); c.1245_1248del (NM_001330209.1); short protein forms K315fs, K415fs, K455fs.
Identifiers: ClinVar variation 1723577 (VCV001723577.4), dbSNP rs2518911065, ClinGen allele CA2580100362.